The following is an entry in ClinVar:

ClinVar aggregate classification (germline): Likely benign. Review status: criteria provided, multiple submitters, no conflicts (2 of 4 stars). 4 submissions from 4 submitters: Likely benign (4). Last evaluated 2026-03-27.

Conditions:
Aortic aneurysm, familial thoracic 4 (AAT4). Also called: AORTIC ANEURYSM/AORTIC DISSECTION AND PATENT DUCTUS ARTERIOSUS. Identifiers: MedGen C1851504, MONDO:0007568, OMIM 132900.

Allele frequency attached by ClinVar (database versions not stated): TOPMed 0.00001; gnomAD 0.00002.
gnomAD v4.1: 32 of 1,612,992 alleles (0.002%); highest among the groups gnomAD compares: African/African-American, 0.0027%; no homozygotes.

Submissions (4):

Molecular Diagnostic Laboratory for Inherited Cardiovascular Disease, Montreal Heart Institute
Classification: Likely benign. Last evaluated: 2026-03-27. Review status: criteria provided, single submitter. Criteria: ACMG Guidelines, 2015. Collection method: clinical testing. Allele origin: germline. Affected: no.

Labcorp Genetics (formerly Invitae), Labcorp
Classification: Likely benign for Aortic aneurysm, familial thoracic 4. Last evaluated: 2026-02-04. Review status: criteria provided, single submitter. Criteria: Invitae Variant Classification Sherloc (09022015). Collection method: clinical testing. Allele origin: germline.

Blueprint Genetics
Classification: Likely benign. Last evaluated: 2024-06-13. Review status: criteria provided, single submitter. Criteria: ACMG Guidelines, 2015. Collection method: clinical testing. Allele origin: germline.

GeneDx
Classification: Likely benign. Last evaluated: 2017-11-28. Review status: criteria provided, single submitter. Criteria: GeneDx Variant Classification (06012015). Collection method: clinical testing. Allele origin: germline. Affected: yes.
Comment: This variant is considered likely benign or benign based on one or more of the following criteria: it is a conservative change, it occurs at a poorly conserved position in the protein, it is predicted to be benign by multiple in silico algorithms, and/or has population frequency not consistent with disease.

NM_002474.3(MYH11):c.5786+12G>A

Genes: MYH11 (myosin heavy chain 11; minus strand), NDE1 (nudE neurodevelopment protein 1; plus strand). Cytogenetic location: 16p13.11.
Variant type: single nucleotide variant.
Coding change: c.5786+12G>A on transcript NM_002474.3 (MANE Select); 12 bases into the intron after coding-DNA position 5786, G replaced by A.
Molecular consequence: intron variant.
Genome position (GRCh38, 1-based): chr16:15,714,897, C>T on the plus strand (G>A on the coding strand, the complement: MYH11 is on the minus strand). VCF-style: chr16-15714897-C-T. GRCh37 (hg19) VCF-style: chr16-15808754-C-T.
Other names: c.948-9294C>T (NM_001143979.2, NM_017668.3); c.5786+12G>A (NM_022844.3); c.5807+12G>A (NM_001040114.2, NM_001040113.2).
Identifiers: ClinVar variation 513643 (VCV000513643.10), dbSNP rs748529228, ClinGen allele CA7921141.